The following is an entry in ClinVar:

ClinVar aggregate classification (germline): Uncertain significance. Review status: criteria provided, multiple submitters, no conflicts (2 of 4 stars). 2 submissions from 2 submitters: Uncertain significance (2). Last evaluated 2025-07-31.

Conditions:
Hereditary cancer-predisposing syndrome. Also called: Neoplastic Syndromes, Hereditary; Tumor predisposition; Hereditary Cancer Syndrome; Hereditary neoplastic syndrome. Identifiers: Orphanet 140162, MedGen C0027672, MeSH D009386, MONDO:0015356.

Allele frequency attached by ClinVar (database versions not stated): gnomAD 0.00001; TOPMed 0.00001.
gnomAD v4.1: 2 of 1,613,074 alleles (0.00012%); highest among the groups gnomAD compares: African/African-American, 0.0013%; no homozygotes.

Submissions (2):

Labcorp Genetics (formerly Invitae), Labcorp
Classification: Uncertain significance. Last evaluated: 2025-07-31. Review status: criteria provided, single submitter. Criteria: Invitae Variant Classification Sherloc (09022015). Collection method: clinical testing. Allele origin: germline.
Comment: This sequence change replaces glutamic acid, which is acidic and polar, with lysine, which is basic and polar, at codon 69 of the NTHL1 protein (p.Glu69Lys). This variant is not present in population databases (gnomAD no frequency). This variant has not been reported in the literature in individuals affected with NTHL1-related conditions. ClinVar contains an entry for this variant (Variation ID: 1000853). An algorithm developed to predict the effect of missense changes on protein structure and function (PolyPhen-2) suggests that this variant is likely to be tolerated. In summary, the available evidence is currently insufficient to determine the role of this variant in disease. Therefore, it has been classified as a Variant of Uncertain Significance.

Ambry Genetics
Classification: Uncertain significance for Hereditary cancer-predisposing syndrome. Last evaluated: 2024-01-27. Review status: criteria provided, single submitter. Criteria: Ambry Variant Classification Scheme 2023. Collection method: clinical testing. Allele origin: germline.
Comment: The p.E69K variant (also known as c.205G>A), located in coding exon 2 of the NTHL1 gene, results from a G to A substitution at nucleotide position 205. The glutamic acid at codon 69 is replaced by lysine, an amino acid with similar properties. This amino acid position is highly conserved in available vertebrate species. In addition, this alteration is predicted to be tolerated by in silico analysis. Since supporting evidence is limited at this time, the clinical significance of this alteration remains unclear.

NM_002528.7(NTHL1):c.181G>A (p.Glu61Lys)

Gene: NTHL1 (nth like DNA glycosylase 1; minus strand). Cytogenetic location: 16p13.3.
Variant type: single nucleotide variant.
Coding change: c.181G>A on transcript NM_002528.7 (MANE Select); coding-DNA position 181, G replaced by A.
Protein change: p.Glu61Lys; replaces glutamic acid 61 with lysine.
Molecular consequence: missense variant. On other transcripts: initiator codon variant (1).
Genome position (GRCh38, 1-based): chr16:2,046,301, C>T on the plus strand (G>A on the coding strand, the complement: NTHL1 is on the minus strand). VCF-style: chr16-2046301-C-T. GRCh37 (hg19) VCF-style: chr16-2096302-C-T.
Other names: c.181G>A, p.Glu61Lys (NM_001318193.2); c.3G>A, p.Met1Ile (NM_001318194.2); short protein forms E61K, M1I.
Identifiers: ClinVar variation 1000853 (VCV001000853.10), dbSNP rs1429511641, ClinGen allele CA394297743.